The following is an entry in ClinVar:

NM_004082.5(DCTN1):c.487G>T (p.Ala163Ser)

Gene: DCTN1 (dynactin subunit 1; minus strand). Cytogenetic location: 2p13.1.
Variant type: single nucleotide variant.
Coding change: c.487G>T on transcript NM_004082.5 (MANE Select); coding-DNA position 487, G replaced by T.
Protein change: p.Ala163Ser; replaces alanine 163 with serine.
Molecular consequence: missense variant. On other transcripts: non-coding transcript variant (1).
Genome position (GRCh38, 1-based): chr2:74,371,695, C>A on the plus strand (G>T on the coding strand, the complement: DCTN1 is on the minus strand). VCF-style: chr2-74371695-C-A. GRCh37 (hg19) VCF-style: chr2-74598822-C-A.
Other names: c.427G>T, p.Ala143Ser (NM_001135040.3); c.85G>T, p.Ala29Ser (NM_001135041.3, NM_023019.4); c.376G>T, p.Ala126Ser (NM_001190836.2); c.466G>T, p.Ala156Ser (NM_001190837.2); c.436G>T, p.Ala146Ser (NM_001378991.1); c.418G>T, p.Ala140Ser (NM_001378992.1); c.487G>T (NM_004082.4); short protein forms A156S, A163S, A126S, A143S, A146S, A140S, A29S.
Identifiers: ClinVar variation 1417872 (VCV001417872.10), dbSNP rs746429168, ClinGen allele CA1722385.

ClinVar aggregate classification (germline): Uncertain significance. Review status: criteria provided, multiple submitters, no conflicts (2 of 4 stars). 3 submissions from 3 submitters: Uncertain significance (3). Last evaluated 2026-04-07.

Conditions:
Inborn genetic diseases. Identifiers: MedGen C0950123, MeSH D030342.
DCTN1-related disorder. Also called: DCTN1-related condition.
Neuronopathy, distal hereditary motor, type 7B. Also called: Distal Hereditary Motor Neuronopathy Type 7B (dHMN7B); HMN VIIB; LOWER MOTOR NEURON DISEASE, DYNACTIN TYPE; NEURONOPATHY, DISTAL HEREDITARY MOTOR, AUTOSOMAL DOMINANT 14; NEURONOPATHY, DISTAL HEREDITARY MOTOR, HARDING TYPE VIIB; NEUROPATHY, DISTAL HEREDITARY MOTOR, HARDING TYPE VIIB. Identifiers: Orphanet 139589, MedGen C1843315, MONDO:0011879, OMIM 607641.
Perry syndrome. Also called: PARKINSONISM WITH ALVEOLAR HYPOVENTILATION AND MENTAL DEPRESSION. Identifiers: Orphanet 178509, MedGen C1868594, MONDO:0008201, OMIM 168605.
Amyotrophic lateral sclerosis type 1 (ALS1). Also called: AMYOTROPHIC LATERAL SCLEROSIS 1, FAMILIAL. Identifiers: Orphanet 803, MedGen C1862939, MONDO:0007103, OMIM 105400.

gnomAD v4.1: 12 of 1,607,144 alleles (0.00075%); highest among the groups gnomAD compares: Admixed American, 0.0085%; no homozygotes.

Submissions (3):

PreventionGenetics, part of Exact Sciences
Classification: Uncertain significance for DCTN1-related condition. Last evaluated: 2026-04-07. Review status: criteria provided, single submitter. Criteria: ACMG Guidelines, 2015. Collection method: clinical testing. Allele origin: germline.
Comment: The DCTN1 c.487G>T variant is predicted to result in the amino acid substitution p.Ala163Ser. To our knowledge, this variant has not been reported in the literature. This variant is reported in 0.00096% of alleles in individuals of European (non-Finnish) descent in gnomAD. At this time, the clinical significance of this variant is uncertain due to the absence of conclusive functional and genetic evidence.

Ambry Genetics
Classification: Uncertain significance for Inborn genetic diseases. Last evaluated: 2023-12-06. Review status: criteria provided, single submitter. Criteria: Ambry Variant Classification Scheme 2023. Collection method: clinical testing. Allele origin: germline.

Labcorp Genetics (formerly Invitae), Labcorp
Classification: Uncertain significance for Amyotrophic lateral sclerosis type 1; Neuronopathy, distal hereditary motor, type 7B; Perry syndrome. Last evaluated: 2023-06-25. Review status: criteria provided, single submitter. Criteria: Invitae Variant Classification Sherloc (09022015). Collection method: clinical testing. Allele origin: germline.
Comment: This sequence change replaces alanine, which is neutral and non-polar, with serine, which is neutral and polar, at codon 163 of the DCTN1 protein (p.Ala163Ser). The frequency data for this variant in the population databases is considered unreliable, as metrics indicate poor data quality at this position in the gnomAD database. This variant has not been reported in the literature in individuals affected with DCTN1-related conditions. ClinVar contains an entry for this variant (Variation ID: 1417872). Advanced modeling of protein sequence and biophysical properties (such as structural, functional, and spatial information, amino acid conservation, physicochemical variation, residue mobility, and thermodynamic stability) performed at Invitae indicates that this missense variant is not expected to disrupt DCTN1 protein function. In summary, the available evidence is currently insufficient to determine the role of this variant in disease. Therefore, it has been classified as a Variant of Uncertain Significance.